The following is an entry in ClinVar:

NM_004984.4(KIF5A):c.2656G>T (p.Ala886Ser)

Gene: KIF5A (kinesin family member 5A; plus strand). Cytogenetic location: 12q13.3.
Variant type: single nucleotide variant.
Coding change: c.2656G>T on transcript NM_004984.4 (MANE Select); coding-DNA position 2656, G replaced by T.
Protein change: p.Ala886Ser; replaces alanine 886 with serine.
Molecular consequence: missense variant.
Genome position (GRCh38, 1-based): chr12:57,581,073, G>T. VCF-style: chr12-57581073-G-T. GRCh37 (hg19) VCF-style: chr12-57974856-G-T.
Other names: c.2389G>T, p.Ala797Ser (NM_001354705.2); short protein forms A797S, A886S.
Identifiers: ClinVar variation 805497 (VCV000805497.5), dbSNP rs1017745641, ClinGen allele CA237790895.
Genomic context (GRCh38, chr12:57,581,073, plus strand): 5'-AGGGCTACGGCTGAGAGAGTTAAGGCCCTGGAGGGTGCACTGAAGGAGGCCAAGGAGGGC[G>T]CCATGAAGGACAAGCGCCGGTACCAGCAGGAGGTGGACCGCATCAAGGAGGCCGTTCGCT-3'
Protein context (NP_004975.2, residues 876-896): EGALKEAKEG[Ala886Ser]MKDKRRYQQE

ClinVar aggregate classification (germline): Uncertain significance. Review status: criteria provided, multiple submitters, no conflicts (2 of 4 stars). 2 submissions from 2 submitters: Uncertain significance (2). Last evaluated 2024-12-19.

Conditions:
Spastic paraplegia. Identifiers: MedGen C0037772, HP:0001258.

Allele frequency attached by ClinVar (database versions not stated): gnomAD exomes below 0.00001; TOPMed 0.00001.
gnomAD v4.1: 7 of 1,613,990 alleles (0.00043%); highest among the groups gnomAD compares: Non-Finnish European, 0.00051%; no homozygotes.

Submissions (2):

Labcorp Genetics (formerly Invitae), Labcorp
Classification: Uncertain significance for Spastic paraplegia. Last evaluated: 2024-12-19. Review status: criteria provided, single submitter. Criteria: Invitae Variant Classification Sherloc (09022015). Collection method: clinical testing. Allele origin: germline.
Comment: This sequence change replaces alanine, which is neutral and non-polar, with serine, which is neutral and polar, at codon 886 of the KIF5A protein (p.Ala886Ser). This variant is present in population databases (no rsID available, gnomAD 0.0009%). This variant has not been reported in the literature in individuals affected with KIF5A-related conditions. ClinVar contains an entry for this variant (Variation ID: 805497). Invitae Evidence Modeling of protein sequence and biophysical properties (such as structural, functional, and spatial information, amino acid conservation, physicochemical variation, residue mobility, and thermodynamic stability) has been performed for this missense variant. However, the output from this modeling did not meet the statistical confidence thresholds required to predict the impact of this variant on KIF5A protein function. In summary, the available evidence is currently insufficient to determine the role of this variant in disease. Therefore, it has been classified as a Variant of Uncertain Significance.

Athena Diagnostics
Classification: Uncertain significance. Last evaluated: 2019-01-17. Review status: criteria provided, single submitter. Criteria: Athena Diagnostics Criteria. Collection method: clinical testing. Allele origin: germline.